The following is an entry in ClinVar:

ClinVar aggregate classification (germline): Uncertain significance. Review status: criteria provided, multiple submitters, no conflicts (2 of 4 stars). 3 submissions from 3 submitters: Uncertain significance (3). Last evaluated 2025-10-22.

Conditions:
Inborn genetic diseases. Identifiers: MedGen C0950123, MeSH D030342.

Allele frequency attached by ClinVar (database versions not stated): TOPMed 0.00002; ExAC 0.00002; gnomAD 0.00003.
gnomAD v4.1: 20 of 1,613,960 alleles (0.0012%); highest among the groups gnomAD compares: African/African-American, 0.0053%; no homozygotes.

Submissions (3):

Ambry Genetics
Classification: Uncertain significance for Inborn genetic diseases. Last evaluated: 2025-10-22. Review status: criteria provided, single submitter. Criteria: Ambry Variant Classification Scheme 2023. Collection method: clinical testing. Allele origin: germline.

GeneDx
Classification: Uncertain significance. Last evaluated: 2022-03-22. Review status: criteria provided, single submitter. Criteria: GeneDx Variant Classification Process June 2021. Collection method: clinical testing. Allele origin: germline. Affected: yes.
Comment: Not observed at significant frequency in large population cohorts (gnomAD); In silico analysis supports that this missense variant does not alter protein structure/function; Has not been previously published as pathogenic or benign to our knowledge

Eurofins Ntd Llc (ga)
Classification: Uncertain significance. Last evaluated: 2017-05-01. Review status: criteria provided, single submitter. Criteria: EGL Classification Definitions 2015. Collection method: clinical testing. Allele origin: germline. Observed: 1 variant allele, 1 heterozygote.

NM_016239.4(MYO15A):c.8134C>A (p.Leu2712Ile)

Gene: MYO15A (myosin XVA; plus strand). Cytogenetic location: 17p11.2.
Variant type: single nucleotide variant.
Coding change: c.8134C>A on transcript NM_016239.4 (MANE Select); coding-DNA position 8134, C replaced by A.
Protein change: p.Leu2712Ile; replaces leucine 2712 with isoleucine.
Molecular consequence: missense variant.
Genome position (GRCh38, 1-based): chr17:18,154,176, C>A. VCF-style: chr17-18154176-C-A. GRCh37 (hg19) VCF-style: chr17-18057490-C-A.
Other names: short protein forms L2712I.
Identifiers: ClinVar variation 501395 (VCV000501395.8), dbSNP rs760123012, ClinGen allele CA8425047.